The following is an entry in ClinVar:

NM_001005498.4(RHBDF2):c.546G>A (p.Pro182=)

Gene: RHBDF2 (rhomboid 5 homolog 2; minus strand). Cytogenetic location: 17q25.1.
Variant type: single nucleotide variant.
Coding change: c.546G>A on transcript NM_001005498.4 (MANE Select); coding-DNA position 546, G replaced by A.
Protein change: p.Pro182=; no amino-acid change (proline 182 retained).
Molecular consequence: synonymous variant. On other transcripts: non-coding transcript variant (3).
Genome position (GRCh38, 1-based): chr17:76,478,932, C>T on the plus strand (G>A on the coding strand, the complement: RHBDF2 is on the minus strand). VCF-style: chr17-76478932-C-T. GRCh37 (hg19) VCF-style: chr17-74475014-C-T.
Other names: c.546G>A, p.Pro182= (NM_001376228.1, NM_001376229.1, NM_001376230.1); c.633G>A, p.Pro211= (NM_024599.5).
Identifiers: ClinVar variation 325454 (VCV000325454.10), dbSNP rs3744044, ClinGen allele CA8787318.
Genomic context (GRCh38, chr17:76,478,932, plus strand): 5'-GTGGGAGTAGCCAGAACGGACACTGGTGAAGGAGGTGAGGGACAGGACTCCGGGGGTCAG[C>T]GGTGGGTGCGGGGCGTGGGGCCTGTCCATCTCCTCCGGGTGGCGGAAGGCCCGGCCCCGG-3'
Protein context (NP_001005498.2, residues 172-192): EMDRPHAPHP[Pro182=]LTPGVLSLTS

ClinVar aggregate classification (germline): Benign/Likely benign. Review status: criteria provided, multiple submitters, no conflicts (2 of 4 stars). 3 submissions from 3 submitters: Benign (2); Likely benign (1). Last evaluated 2026-01-23.

Conditions:
Palmoplantar keratoderma-esophageal carcinoma syndrome (TOC). Also called: KERATOSIS PALMARIS ET PLANTARIS WITH ESOPHAGEAL CANCER; PALMOPLANTAR KERATODERMA WITH ESOPHAGEAL CANCER; Tylosis with Esophageal Cancer. Identifiers: Orphanet 2198, MedGen C1835664, MONDO:0007856, OMIM 148500.

Allele frequency attached by ClinVar (database versions not stated): ESP Exome Variant Server 0.00031; gnomAD exomes 0.00042 and 0.00091; gnomAD 0.00082 and 0.00091; ExAC 0.00090; TOPMed 0.00095; 1000 Genomes Project 30x 0.00219; 1000 Genomes Project 0.00220.
gnomAD v4.1: 742 of 1,603,950 alleles (0.046%); highest among the groups gnomAD compares: East Asian, 1%; 6 homozygotes.

Submissions (3):

Labcorp Genetics (formerly Invitae), Labcorp
Classification: Benign. Last evaluated: 2026-01-23. Review status: criteria provided, single submitter. Criteria: Invitae Variant Classification Sherloc (09022015). Collection method: clinical testing. Allele origin: germline.

KCCC/NGS Laboratory, Kuwait Cancer Control Center
Classification: Likely benign for Palmoplantar keratoderma-esophageal carcinoma syndrome. Last evaluated: 2023-07-07. Review status: criteria provided, single submitter. Criteria: ACMG Guidelines, 2015. Collection method: clinical testing. Allele origin: germline. Affected: yes.

Illumina Laboratory Services, Illumina
Classification: Benign for Palmoplantar keratoderma-esophageal carcinoma syndrome. Last evaluated: 2018-01-13. Review status: criteria provided, single submitter. Criteria: ICSL Variant Classification Criteria 13 December 2019. Collection method: clinical testing. Allele origin: germline.
Comment: This variant was observed in the ICSL laboratory as part of a predisposition screen in an ostensibly healthy population. It had not been previously curated by ICSL or reported in the Human Gene Mutation Database (HGMD: prior to June 1st, 2018), and was therefore a candidate for classification through an automated scoring system. Utilizing variant allele frequency, disease prevalence and penetrance estimates, and inheritance mode, an automated score was calculated to assess if this variant is too frequent to cause the disease. Based on the score and internal cut-off values, a variant classified as benign is not then subjected to further curation. The score for this variant resulted in a classification of benign for this disease.